The following is an entry in ClinVar:

NM_001289808.2(CRYAB):c.88G>A (p.Glu30Lys)

Gene: CRYAB (crystallin alpha B; minus strand). Cytogenetic location: 11q23.1.
Variant type: single nucleotide variant.
Coding change: c.88G>A on transcript NM_001289808.2 (MANE Select); coding-DNA position 88, G replaced by A.
Protein change: p.Glu30Lys; replaces glutamic acid 30 with lysine.
Molecular consequence: missense variant.
Genome position (GRCh38, 1-based): chr11:111,911,637, C>T on the plus strand (G>A on the coding strand, the complement: CRYAB is on the minus strand). VCF-style: chr11-111911637-C-T. GRCh37 (hg19) VCF-style: chr11-111782361-C-T.
Other names: c.88G>A, p.Glu30Lys (NM_001289807.1, NM_001368245.1, NM_001885.3); short protein forms E30K.
Identifiers: ClinVar variation 1997158 (VCV001997158.4), dbSNP rs11549440, ClinGen allele CA382600725.
Genomic context (GRCh38, chr11:111,911,637, plus strand): 5'-GAAGGTAGAAGGGACTCAGGGAAGTAGACGTCGGGAAAAGATCAGACTCCAACAGGTGCT[C>T]TCCGAAGAACTGGTCAAAGAGGCGGCTGGGGGAGTGGAAAGGAAAGAAGGGGCGGCGGAT-3'
Protein context (NP_001276737.1, residues 20-40): PSRLFDQFFG[Glu30Lys]HLLESDLFPT

ClinVar aggregate classification (germline): Uncertain significance (1 of 4 stars; one submission).

Conditions:
Dilated cardiomyopathy 1II (CMD1II). Identifiers: Orphanet 154, MedGen C3554649, MONDO:0014073, OMIM 615184.

Submission:

Labcorp Genetics (formerly Invitae), Labcorp
Classification: Uncertain significance for Dilated cardiomyopathy 1II. Last evaluated: 2022-07-07. Review status: criteria provided, single submitter. Criteria: Invitae Variant Classification Sherloc (09022015). Collection method: clinical testing. Allele origin: germline.
Comment: This sequence change replaces glutamic acid, which is acidic and polar, with lysine, which is basic and polar, at codon 30 of the CRYAB protein (p.Glu30Lys). This variant is not present in population databases (gnomAD no frequency). This variant has not been reported in the literature in individuals affected with CRYAB-related conditions. Algorithms developed to predict the effect of missense changes on protein structure and function are either unavailable or do not agree on the potential impact of this missense change (SIFT: "Tolerated"; PolyPhen-2: "Probably Damaging"; Align-GVGD: "Class C0"). In summary, the available evidence is currently insufficient to determine the role of this variant in disease. Therefore, it has been classified as a Variant of Uncertain Significance.